The following is an entry in ClinVar:

ClinVar aggregate classification (germline): Pathogenic (1 of 4 stars; one submission).

Conditions:
Neurofibromatosis, type 1 (NF1). Also called: NEUROFIBROMATOSIS, TYPE I, SOMATIC; Neurofibromatosis, type I; Peripheral type neurofibromatosis; VON RECKLINGHAUSEN DISEASE. Identifiers: Orphanet 636, MedGen C0027831, MONDO:0018975, OMIM 162200. Disease mechanism: loss of function.

Submission:

Labcorp Genetics (formerly Invitae), Labcorp
Classification: Pathogenic for Neurofibromatosis, type 1. Last evaluated: 2022-03-14. Review status: criteria provided, single submitter. Criteria: Invitae Variant Classification Sherloc (09022015). Collection method: clinical testing. Allele origin: germline.
Comment: For these reasons, this variant has been classified as Pathogenic. This variant has not been reported in the literature in individuals affected with NF1-related conditions. This variant is not present in population databases (gnomAD no frequency). This sequence change creates a premature translational stop signal (p.Gln1754Asnfs*5) in the NF1 gene. It is expected to result in an absent or disrupted protein product. Loss-of-function variants in NF1 are known to be pathogenic (PMID: 10712197, 23913538).

Literature cited by the submitters: PubMed 10712197; PubMed 23913538.

NM_001042492.3(NF1):c.5322del (p.Gln1775fs)

Gene: NF1 (neurofibromin 1; plus strand). Cytogenetic location: 17q11.2.
Variant type: Deletion.
Coding change: c.5322del on transcript NM_001042492.3 (MANE Select); coding-DNA position 5322, one base deleted (G; older notation c.5322delG).
Protein change: p.Gln1775fs; shifts the reading frame from glutamine 1775.
Molecular consequence: frameshift variant.
Genome position (GRCh38, 1-based): chr17:31,327,552, G deleted; the last of 3 consecutive G bases (chr17:31,327,550-31,327,552); deleting any one gives the same sequence. VCF-style (leftmost placement, unchanged base first): chr17-31327549-AG-A. GRCh37 (hg19) VCF-style: chr17-29654567-AG-A.
Other names: c.5259delG, p.Gln1754Asnfs (NM_000267.4); short protein forms Q1775fs, Q1754fs.
Identifiers: ClinVar variation 2111577 (VCV002111577.4), dbSNP rs2508705680, ClinGen allele CA2580093255.
Genomic context (GRCh38, chr17:31,327,549, plus strand): 5'-CACTTTCCAGGTTGGTTCTACTGCTGTCCAAGTAACTTCAGCAGAGCGAACAAAAGTCCT[AG>A]GGCAATCAGTCTTTCTAAATGACATTTATTATGCTTCGGAAATTGAAGAAATCTGCCTAG-3'